The following is an entry in ClinVar:

NM_004415.4(DSP):c.7083G>C (p.Lys2361Asn)

Gene: DSP (desmoplakin; plus strand). Cytogenetic location: 6p24.3.
Variant type: single nucleotide variant.
Coding change: c.7083G>C on transcript NM_004415.4 (MANE Select); coding-DNA position 7083, G replaced by C.
Protein change: p.Lys2361Asn; replaces lysine 2361 with asparagine.
Molecular consequence: missense variant.
Genome position (GRCh38, 1-based): chr6:7,584,345, G>C. VCF-style: chr6-7584345-G-C. GRCh37 (hg19) VCF-style: chr6-7584578-G-C.
Other names: c.5286G>C, p.Lys1762Asn (NM_001008844.3); c.5754G>C, p.Lys1918Asn (NM_001319034.2); short protein forms K1762N, K1918N, K2361N.
Identifiers: ClinVar variation 4527388 (VCV004527388.1).
Genomic context (GRCh38, chr6:7,584,345, plus strand): 5'-TCCTGAAACAGGAAACATCATCTCTTTGTTCCAAGCCATGAATAAGGAACTCATCGAAAA[G>C]GGCCACGGTATTCGCTTATTAGAAGCACAGATCGCAACCGGGGGGATCATTGACCCAAAG-3'
Protein context (NP_004406.2, residues 2351-2371): FQAMNKELIE[Lys2361Asn]GHGIRLLEAQ

ClinVar aggregate classification (germline): Uncertain significance (1 of 4 stars; one submission).

Submission:

GeneDx
Classification: Uncertain significance. Last evaluated: 2025-04-25. Review status: criteria provided, single submitter. Criteria: GeneDx Variant Classification Process June 2021. Collection method: clinical testing. Allele origin: germline. Affected: yes.
Comment: Not observed at significant frequency in large population cohorts (gnomAD); In silico analysis supports that this missense variant has a deleterious effect on protein structure/function; Has not been previously published as pathogenic or benign to our knowledge